The following is an entry in ClinVar:

NM_002602.4(PDE6G):c.95del (p.Gln32fs)

Gene: PDE6G (phosphodiesterase 6G; minus strand). Cytogenetic location: 17q25.3.
Variant type: Deletion.
Coding change: c.95del on transcript NM_002602.4 (MANE Select); coding-DNA position 95, one base deleted (A; older notation c.95delA).
Protein change: p.Gln32fs; shifts the reading frame from glutamine 32.
Molecular consequence: frameshift variant.
Genome position (GRCh38, 1-based): chr17:81,653,211, T deleted on the plus strand (A on the coding strand, the reverse complement: PDE6G is on the minus strand). VCF-style (leftmost placement, unchanged base first): chr17-81653210-CT-C. GRCh37 (hg19) VCF-style: chr17-79620240-CT-C.
Other names: c.95del, p.Gln32fs (NM_001365724.1, NM_001365725.1); short protein forms Q32fs.
Identifiers: ClinVar variation 1021394 (VCV001021394.9), dbSNP rs1483458455, ClinGen allele CA775665409.

ClinVar aggregate classification (germline): Conflicting classifications of pathogenicity. Review status: criteria provided, conflicting classifications (1 of 4 stars). 3 submissions from 3 submitters: Pathogenic (1); Likely pathogenic (1); Uncertain significance (1). Last evaluated 2022-08-03.

Conditions:
PDE6G-related disorders.
Retinitis pigmentosa 57 (RP57). Identifiers: Orphanet 791, MedGen C3150821, MONDO:0013315, OMIM 613582.

Allele frequency attached by ClinVar (database versions not stated): gnomAD 0.00001; TOPMed 0.00001.

Submissions (3):

Blueprint Genetics
Classification: Pathogenic for PDE6G-related disorders. Last evaluated: 2022-08-03. Review status: criteria provided, single submitter. Criteria: ACMG Guidelines, 2015. Collection method: clinical testing. Allele origin: germline. Affected: yes. Observed: 5 variant alleles.

Labcorp Genetics (formerly Invitae), Labcorp
Classification: Uncertain significance. Last evaluated: 2020-06-22. Review status: criteria provided, single submitter. Criteria: Invitae Variant Classification Sherloc (09022015). Collection method: clinical testing. Allele origin: germline.
Comment: This sequence change results in a frameshift in the PDE6G gene (p.Gln32Argfs*62). While this is not anticipated to result in nonsense mediated decay, it is expected to disrupt the last 56 amino acids of the PDE6G protein and extend the protein by an additional 5 amino acids. This variant is not present in population databases (ExAC no frequency). This variant has not been reported in the literature in individuals with PDE6G-related conditions. In summary, the available evidence is currently insufficient to determine the role of this variant in disease. Therefore, it has been classified as a Variant of Uncertain Significance. Experimental studies and prediction algorithms are not available or were not evaluated, and the functional significance of this variant is currently unknown.

Juno Genomics, Hangzhou Juno Genomics, Inc
Classification: Likely pathogenic for Retinitis pigmentosa 57. Review status: criteria provided, single submitter. Criteria: ACMG Guidelines, 2015. Collection method: clinical testing. Allele origin: germline.
Comment: Absent from controls (or at extremely low frequency if recessive) in Genome Aggregation Database.;Null variant in a gene where loss of function (LOF) is a known mechanism of disease.;For recessive disorders, detected in trans with a pathogenic variant.